The following is an entry in ClinVar:

ClinVar aggregate classification (germline): Uncertain significance. Review status: criteria provided, multiple submitters, no conflicts (2 of 4 stars). 2 submissions from 2 submitters: Uncertain significance (2). Last evaluated 2024-07-12.

Conditions:
Cardiovascular phenotype. Identifiers: MedGen CN230736.
RASopathy. Also called: Noonan spectrum disorder; rasopathies. Identifiers: Orphanet 536391, MedGen C5555857, MONDO:0021060.

Submissions (2):

Labcorp Genetics (formerly Invitae), Labcorp
Classification: Uncertain significance for RASopathy. Last evaluated: 2024-07-12. Review status: criteria provided, single submitter. Criteria: Invitae Variant Classification Sherloc (09022015). Collection method: clinical testing. Allele origin: germline.
Comment: This sequence change replaces glutamic acid, which is acidic and polar, with alanine, which is neutral and non-polar, at codon 113 of the CBL protein (p.Glu113Ala). This variant is not present in population databases (gnomAD no frequency). This variant has not been reported in the literature in individuals affected with CBL-related conditions. ClinVar contains an entry for this variant (Variation ID: 1730876). Advanced modeling of protein sequence and biophysical properties (such as structural, functional, and spatial information, amino acid conservation, physicochemical variation, residue mobility, and thermodynamic stability) has been performed at Invitae for this missense variant, however the output from this modeling did not meet the statistical confidence thresholds required to predict the impact of this variant on CBL protein function. In summary, the available evidence is currently insufficient to determine the role of this variant in disease. Therefore, it has been classified as a Variant of Uncertain Significance.

Ambry Genetics
Classification: Uncertain significance for Cardiovascular phenotype. Last evaluated: 2021-10-26. Review status: criteria provided, single submitter. Criteria: Ambry Variant Classification Scheme 2023. Collection method: clinical testing. Allele origin: germline.
Comment: The p.E113A variant (also known as c.338A>C), located in coding exon 2 of the CBL gene, results from an A to C substitution at nucleotide position 338. The glutamic acid at codon 113 is replaced by alanine, an amino acid with dissimilar properties. This amino acid position is conserved. In addition, the in silico prediction for this alteration is inconclusive. Since supporting evidence is limited at this time, the clinical significance of this alteration remains unclear.

NM_005188.4(CBL):c.338A>C (p.Glu113Ala)

Gene: CBL (Cbl proto-oncogene; plus strand). Cytogenetic location: 11q23.3.
Variant type: single nucleotide variant.
Coding change: c.338A>C on transcript NM_005188.4 (MANE Select); coding-DNA position 338, A replaced by C.
Protein change: p.Glu113Ala; replaces glutamic acid 113 with alanine.
Molecular consequence: missense variant.
Genome position (GRCh38, 1-based): chr11:119,232,590, A>C. VCF-style: chr11-119232590-A-C. GRCh37 (hg19) VCF-style: chr11-119103300-A-C.
Other names: short protein forms E113A.
Identifiers: ClinVar variation 1730876 (VCV001730876.7), dbSNP rs2496866062, ClinGen allele CA382895077.
Genomic context (GRCh38, chr11:119,232,590, plus strand): 5'-AGCATCTCCGTACTATCTTGTCAAGATATGAGGGGAAGATGGAGACACTTGGAGAAAATG[A>C]GTATTTTAGGGTGTTTATGGAGAATTTGATGAAGAAAACTAAGCAAACCATAAGCCTCTT-3'
Protein context (NP_005179.2, residues 103-123): EGKMETLGEN[Glu113Ala]YFRVFMENLM